The following is an entry in ClinVar:

NM_002528.7(NTHL1):c.373_414del (p.Leu125_Val138del)

Gene: NTHL1 (nth like DNA glycosylase 1; minus strand). Cytogenetic location: 16p13.3.
Variant type: Deletion.
Coding change: c.373_414del on transcript NM_002528.7 (MANE Select); coding-DNA positions 373 to 414, 42 bases deleted.
Protein change: p.Leu125_Val138del.
Molecular consequence: inframe deletion. On other transcripts: intron variant (1).
Genome position (GRCh38, 1-based): chr16:2,044,741-2,044,782, 42 bases deleted; deleting any 42 consecutive bases within chr16:2,044,741-2,044,790 gives the same sequence; the c. name uses the placement nearest the transcript's 3' end. GRCh37 (hg19): chr16:2,094,750-2,094,791.
Other names: c.43_84del, p.Leu15_Val28del (NM_001318194.2); c.355-1056_355-1015del (NM_001318193.2).
Identifiers: ClinVar variation 2034978 (VCV002034978.4), dbSNP rs2548316350, ClinGen allele CA2580090599.

ClinVar aggregate classification (germline): Uncertain significance (1 of 4 stars; one submission).

Submission:

Labcorp Genetics (formerly Invitae), Labcorp
Classification: Uncertain significance. Last evaluated: 2022-10-10. Review status: criteria provided, single submitter. Criteria: Invitae Variant Classification Sherloc (09022015). Collection method: clinical testing. Allele origin: germline.
Comment: This variant, c.397_438del, results in the deletion of 14 amino acid(s) of the NTHL1 protein (p.Leu133_Val146del), but otherwise preserves the integrity of the reading frame. This variant is not present in population databases (gnomAD no frequency). This variant has not been reported in the literature in individuals affected with NTHL1-related conditions. Algorithms developed to predict the effect of sequence changes on RNA splicing suggest that this variant may disrupt the consensus splice site. In summary, the available evidence is currently insufficient to determine the role of this variant in disease. Therefore, it has been classified as a Variant of Uncertain Significance.